The following is an entry in ClinVar:

NM_000059.4(BRCA2):c.9783C>T (p.Asp3261=)

Gene: BRCA2 (BRCA2 DNA repair associated; plus strand). Cytogenetic location: 13q13.1.
Variant type: single nucleotide variant.
Coding change: c.9783C>T on transcript NM_000059.4 (MANE Select); coding-DNA position 9783, C replaced by T.
Protein change: p.Asp3261=; no amino-acid change (aspartic acid 3261 retained).
Molecular consequence: synonymous variant.
Genome position (GRCh38, 1-based): chr13:32,398,296, C>T. VCF-style: chr13-32398296-C-T. GRCh37 (hg19) VCF-style: chr13-32972433-C-T.
Identifiers: ClinVar variation 230601 (VCV000230601.22), dbSNP rs876658661, ClinGen allele CA10579845.

ClinVar aggregate classification (germline): Likely benign. Review status: reviewed by expert panel (3 of 4 stars). 6 submissions from 6 submitters: Likely benign (1). 5 of the submissions do not count toward it. Last evaluated 2017-06-29.

Conditions:
Hereditary cancer-predisposing syndrome. Also called: Hereditary Cancer Syndrome; Neoplastic Syndromes, Hereditary; Tumor predisposition; Hereditary neoplastic syndrome. Identifiers: Orphanet 140162, MedGen C0027672, MeSH D009386, MONDO:0015356.
Breast-ovarian cancer, familial, susceptibility to, 2 (BROVCA2). Also called: BRCA2 Hereditary Breast and Ovarian Cancer. Identifiers: Orphanet 145, MedGen C2675520, MONDO:0012933, OMIM 612555. Disease mechanism: loss of function.
Hereditary breast ovarian cancer syndrome. Also called: Hereditary breast and/or ovarian cancer syndrome; BRCA1- and BRCA2-Associated Hereditary Breast and Ovarian Cancer; Hereditary breast and ovarian cancer syndrome (HBOC); Hereditary breast and ovarian cancer; Hereditary breast and ovarian cancer syndrome; Breast and ovarian cancer. Identifiers: Orphanet 145, MedGen C0677776, MeSH D061325, MONDO:0003582. Disease mechanism: loss of function.

Allele frequency attached by ClinVar (database versions not stated): gnomAD exomes below 0.00001.
gnomAD v4.1: 3 of 1,614,144 alleles (0.00019%); highest among the groups gnomAD compares: Non-Finnish European, 0.00025%; no homozygotes.

Submissions (6):

Evidence-based Network for the Interpretation of Germline Mutant Alleles (ENIGMA)
Classification: Likely benign for Breast-ovarian cancer, familial, susceptibility to, 2. Last evaluated: 2017-06-29. Review status: reviewed by expert panel. Criteria: ENIGMA BRCA1/2 Classification Criteria (2017-06-29). Collection method: curation. Allele origin: germline.
Comment: Synonymous substitution variant, with low bioinformatic likelihood to result in a splicing aberration (Splicing prior probability 0.02).

Labcorp Genetics (formerly Invitae), Labcorp
Classification: Likely benign for Hereditary breast ovarian cancer syndrome. Last evaluated: 2025-10-02. Review status: criteria provided, single submitter. Criteria: Invitae Variant Classification Sherloc (09022015). Collection method: clinical testing. Allele origin: germline. Not counted in ClinVar's aggregate classification.

All of Us Research Program, National Institutes of Health
Classification: Likely benign for Breast-ovarian cancer, familial, susceptibility to, 2. Last evaluated: 2023-07-22. Review status: criteria provided, single submitter. Criteria: ACMG Guidelines, 2015. Collection method: clinical testing. Allele origin: germline. Inheritance: Autosomal dominant inheritance. Observed: 1 variant allele, 1 heterozygote. Not counted in ClinVar's aggregate classification.
Comment: This study involves interpretation of variants in research participants for the purpose of population health screening. Participant phenotype was not available at the time of variant classification. Additional details can be found in publication PMID: 35346344, PMCID: PMC8962531

Sema4
Classification: Likely benign for Hereditary cancer-predisposing syndrome. Last evaluated: 2022-01-17. Review status: criteria provided, single submitter. Criteria: Sema4 Curation Guidelines. Collection method: curation. Allele origin: germline. Not counted in ClinVar's aggregate classification.

Color Diagnostics, LLC DBA Color Health
Classification: Likely benign for Hereditary cancer-predisposing syndrome. Last evaluated: 2018-08-17. Review status: criteria provided, single submitter. Criteria: ACMG Guidelines, 2015. Collection method: clinical testing. Allele origin: germline. Not counted in ClinVar's aggregate classification.

Ambry Genetics
Classification: Likely benign for Hereditary cancer-predisposing syndrome. Last evaluated: 2015-02-23. Review status: criteria provided, single submitter. Criteria: Ambry Variant Classification Scheme 2023. Collection method: clinical testing. Allele origin: germline. Not counted in ClinVar's aggregate classification.